The following is an entry in ClinVar:

NM_018975.4(TERF2IP):c.686G>T (p.Arg229Ile)

Gene: TERF2IP (TERF2 interacting protein; plus strand). Cytogenetic location: 16q23.1.
Variant type: single nucleotide variant.
Coding change: c.686G>T on transcript NM_018975.4 (MANE Select); coding-DNA position 686, G replaced by T.
Protein change: p.Arg229Ile; replaces arginine 229 with isoleucine.
Molecular consequence: missense variant. On other transcripts: non-coding transcript variant (1).
Genome position (GRCh38, 1-based): chr16:75,654,288, G>T. VCF-style: chr16-75654288-G-T. GRCh37 (hg19) VCF-style: chr16-75688186-G-T.
Other names: short protein forms R229I.
Identifiers: ClinVar variation 2448535 (VCV002448535.2), dbSNP rs2507086223, ClinGen allele CA396818940.
Genomic context (GRCh38, chr16:75,654,288, plus strand): 5'-GTAAAAGAGGCTATTGCTAATCTGTGCTGTTCTTCTCTTTAACAGAACCACAGAATAAGA[G>T]AACTCCAGATTTGCCTGAAGAAGAGTATGTGAAGGAAGAAATCCAGGAGAATGAAGAAGC-3'
Protein context (NP_061848.2, residues 219-239): AADSGEPQNK[Arg229Ile]TPDLPEEEYV

ClinVar aggregate classification (germline): Uncertain significance (1 of 4 stars; one submission).

Submission:

Ambry Genetics
Classification: Uncertain significance. Last evaluated: 2023-01-11. Review status: criteria provided, single submitter. Criteria: Ambry Variant Classification Scheme 2023. Collection method: clinical testing. Allele origin: germline.
Comment: The p.R229I variant (also known as c.686G>T), located in coding exon 2 of the TERF2IP gene, results from a G to T substitution at nucleotide position 686. The arginine at codon 229 is replaced by isoleucine, an amino acid with similar properties. This amino acid position is conserved. In addition, this alteration is predicted to be tolerated by in silico analysis. Since supporting evidence is limited at this time, the clinical significance of this alteration remains unclear.